The following is an entry in ClinVar:

NM_000147.5(FUCA1):c.390-85T>C

Genes: FUCA1 (alpha-L-fucosidase 1; minus strand), LOC126805661 (BRD4-independent group 4 enhancer GRCh37_chr1:24191742-24192941; plus strand). Cytogenetic location: 1p36.11.
Variant type: single nucleotide variant.
Coding change: c.390-85T>C on transcript NM_000147.5 (MANE Select); 85 bases into the intron before coding-DNA position 390, T replaced by C.
Molecular consequence: intron variant.
Genome position (GRCh38, 1-based): chr1:23,865,710, A>G on the plus strand (T>C on the coding strand, the complement: FUCA1 is on the minus strand). VCF-style: chr1-23865710-A-G. GRCh37 (hg19) VCF-style: chr1-24192200-A-G.
Identifiers: ClinVar variation 683925 (VCV000683925.2), dbSNP rs34902309, ClinGen allele CA15091021.

ClinVar aggregate classification (germline): Benign. Review status: criteria provided, multiple submitters, no conflicts (2 of 4 stars). 2 submissions from 2 submitters: Benign (2). Last evaluated 2018-06-19.

Allele frequency attached by ClinVar (database versions not stated): 1000 Genomes Project 30x 0.35150; 1000 Genomes Project 0.35463; TOPMed 0.36679; gnomAD 0.37676; gnomAD exomes 0.41508.
gnomAD v4.1: 598,064 of 1,455,210 alleles (41%); highest among the groups gnomAD compares: East Asian, 43%; 126,187 homozygotes.

Submissions (2):

GeneDx
Classification: Benign. Last evaluated: 2018-06-19. Review status: criteria provided, single submitter. Criteria: GeneDx Variant Classification (06012015). Collection method: clinical testing. Allele origin: germline. Affected: yes.
Comment: This variant is considered likely benign or benign based on one or more of the following criteria: it is a conservative change, it occurs at a poorly conserved position in the protein, it is predicted to be benign by multiple in silico algorithms, and/or has population frequency not consistent with disease.

Breakthrough Genomics
Classification: Benign. Review status: criteria provided, single submitter. Criteria: ACMG Guidelines, 2015. Collection method: not provided. Allele origin: germline. Inheritance: Autosomal recessive inheritance. Affected: yes.